The following is an entry in ClinVar:

NM_020442.6(VARS2):c.2106+18G>T

Genes: VARS2 (valyl-tRNA synthetase 2, mitochondrial; plus strand), LOC126859646 (MED14-independent group 3 enhancer GRCh37_chr6:30889690-30890889; plus strand). Cytogenetic location: 6p21.33.
Variant type: single nucleotide variant.
Coding change: c.2106+18G>T on transcript NM_020442.6 (MANE Select); 18 bases into the intron after coding-DNA position 2106, G replaced by T.
Molecular consequence: intron variant.
Genome position (GRCh38, 1-based): chr6:30,922,792, G>T. VCF-style: chr6-30922792-G-T. GRCh37 (hg19) VCF-style: chr6-30890569-G-T.
Other names: p.?; c.2196+18G>T (NM_001167734.2); c.1686+18G>T (NM_001167733.3).
Identifiers: ClinVar variation 380158 (VCV000380158.17), dbSNP rs753726, ClinGen allele CA3706164.

ClinVar aggregate classification (germline): Benign. Review status: criteria provided, multiple submitters, no conflicts (2 of 4 stars). 5 submissions from 5 submitters: Benign (5). Last evaluated 2026-02-02.

Allele frequency attached by ClinVar (database versions not stated): TOPMed 0.26291; gnomAD 0.28833; ESP Exome Variant Server 0.29424; 1000 Genomes Project 30x 0.22064; 1000 Genomes Project 0.22204.
gnomAD v4.1: 533,281 of 1,597,770 alleles (33%); highest among the groups gnomAD compares: Non-Finnish European, 36%; 92,694 homozygotes.

Submissions (6):

Labcorp Genetics (formerly Invitae), Labcorp
Classification: Benign. Last evaluated: 2026-02-02. Review status: criteria provided, single submitter. Criteria: Invitae Variant Classification Sherloc (09022015). Collection method: clinical testing. Allele origin: germline.

Blueprint Genetics
Classification: Benign. Last evaluated: 2024-11-27. Review status: criteria provided, single submitter. Criteria: ACMG Guidelines, 2015. Collection method: clinical testing. Allele origin: germline.

Unidad de Genómica Garrahan, Hospital de Pediatría Garrahan
Classification: Benign. Last evaluated: 2024-07-31. Review status: criteria provided, single submitter. Criteria: ACMG Guidelines, 2015. Collection method: clinical testing. Allele origin: germline. Affected: no. Observed: 47 variant alleles.
Comment: This variant is classified as Benign based on local population frequency. This variant was detected in 51% of patients studied in a panel designed for Epileptic and Developmental Encephalopathy, Progressive Myoclonus Epilepsy and Abnormal Movements and Neurodegeneration with brain iron accumulation. Number of patients: 47. Only high quality variants are reported.

Mayo Clinic Laboratories, Mayo Clinic
Classification: Benign. Last evaluated: 2022-02-03. Review status: criteria provided, single submitter. Criteria: ACMG Guidelines, 2015. Collection method: clinical testing. Allele origin: germline. Observed: 7 variant alleles.

GeneDx
Classification: Benign. Last evaluated: 2015-12-16. Review status: criteria provided, single submitter. Criteria: GeneDx Variant Classification (06012015). Collection method: clinical testing. Allele origin: germline. Affected: yes.
Comment: This variant is considered likely benign or benign based on one or more of the following criteria: it is a conservative change, it occurs at a poorly conserved position in the protein, it is predicted to be benign by multiple in silico algorithms, and/or has population frequency not consistent with disease.

Dr. Peter K. Rogan Lab, Western University
No classification provided (evidence only). Condition: Thyroid cancer, nonmedullary, 1. Review status: no classification provided. Collection method: in vitro. Allele origin: not applicable. Functional consequence: retained intron. Not counted in ClinVar's aggregate classification.